The following is an entry in ClinVar:

NM_004360.5(CDH1):c.1277C>T (p.Thr426Ile)

Gene: CDH1 (cadherin 1; plus strand). Cytogenetic location: 16q22.1.
Variant type: single nucleotide variant.
Coding change: c.1277C>T on transcript NM_004360.5 (MANE Select); coding-DNA position 1277, C replaced by T.
Protein change: p.Thr426Ile; replaces threonine 426 with isoleucine.
Molecular consequence: missense variant. On other transcripts: 5 prime UTR variant (2), intron variant (1).
Genome position (GRCh38, 1-based): chr16:68,813,452, C>T. VCF-style: chr16-68813452-C-T. GRCh37 (hg19) VCF-style: chr16-68847355-C-T.
Other names: c.1277C>T (LRG_301t1, NM_004360.4); c.-339C>T (NM_001317185.2); c.-543C>T (NM_001317186.2); c.1137+1189C>T (NM_001317184.2); short protein forms T426I.
Identifiers: ClinVar variation 231013 (VCV000231013.16), dbSNP rs876658901, ClinGen allele CA10577542.

ClinVar aggregate classification (germline): Conflicting classifications of pathogenicity. Review status: criteria provided, conflicting classifications (1 of 4 stars). 4 submissions from 4 submitters: Uncertain significance (2); Likely benign (1). 1 of the submissions does not count toward it. Last evaluated 2024-12-04.

Conditions:
CDH1-related disorder. Also called: CDH1-related condition.
Hereditary cancer-predisposing syndrome. Also called: Hereditary Cancer Syndrome; Neoplastic Syndromes, Hereditary; Tumor predisposition; Hereditary neoplastic syndrome. Identifiers: Orphanet 140162, MedGen C0027672, MeSH D009386, MONDO:0015356.
Hereditary diffuse gastric adenocarcinoma (HDGC). Also called: DIFFUSE GASTRIC AND LOBULAR BREAST CANCER SYNDROME. Identifiers: Orphanet 26106, MedGen C1708349, MONDO:0007648, OMIM 137215.

Allele frequency attached by ClinVar (database versions not stated): gnomAD exomes 0.00001.
gnomAD v4.1: 3 of 1,614,124 alleles (0.00019%); highest among the groups gnomAD compares: Non-Finnish European, 0.00025%; no homozygotes.

Submissions (4):

Labcorp Genetics (formerly Invitae), Labcorp
Classification: Uncertain significance for Hereditary diffuse gastric adenocarcinoma. Last evaluated: 2024-12-04. Review status: criteria provided, single submitter. Criteria: Invitae Variant Classification Sherloc (09022015). Collection method: clinical testing. Allele origin: germline.
Comment: This sequence change replaces threonine, which is neutral and polar, with isoleucine, which is neutral and non-polar, at codon 426 of the CDH1 protein (p.Thr426Ile). This variant is not present in population databases (gnomAD no frequency). This variant has not been reported in the literature in individuals affected with CDH1-related conditions. ClinVar contains an entry for this variant (Variation ID: 231013). An algorithm developed to predict the effect of missense changes on protein structure and function outputs the following: PolyPhen-2: "Benign". The isoleucine amino acid residue is found in multiple mammalian species, which suggests that this missense change does not adversely affect protein function. In summary, the available evidence is currently insufficient to determine the role of this variant in disease. Therefore, it has been classified as a Variant of Uncertain Significance.

Ambry Genetics
Classification: Likely benign for Hereditary cancer-predisposing syndrome. Last evaluated: 2024-03-13. Review status: criteria provided, single submitter. Criteria: Ambry Variant Classification Scheme 2023. Collection method: clinical testing. Allele origin: germline.

GeneDx
Classification: Uncertain significance. Last evaluated: 2016-02-10. Review status: criteria provided, single submitter. Criteria: GeneDx Variant Classification (06012015). Collection method: clinical testing. Allele origin: germline. Affected: yes.
Comment: This variant is denoted CDH1 c.1277C>T at the cDNA level, p.Thr426Ile (T426I) at the protein level, and results in the change of a Threonine to an Isoleucine (ACC>ATC). This variant has not, to our knowledge, been published in the literature as pathogenic or benign. CDH1 Thr426Ile was not observed in approximately 6,500 individuals of European and African American ancestry in the NHLBI Exome Sequencing Project, indicating it is not a common benign variant in these populations. Since Threonine and Isoleucine differ in polarity, charge, size or other properties, this is considered a non-conservative amino acid substitution. CDH1 Thr426Ile occurs at a position that is not conserved and is located in the extracellular domain and the Cadherin 3 domain (UniProt). In silico analyses predict that this variant is unlikely to alter protein structure or function. Based on currently available information, it is unclear whether CDH1 Thr426Ile is pathogenic or benign. We consider it to be a variant of uncertain significance.

PreventionGenetics, part of Exact Sciences
Classification: Uncertain significance for CDH1-related condition. Last evaluated: 2024-01-18. Review status: no assertion criteria provided. Collection method: clinical testing. Allele origin: germline. Not counted in ClinVar's aggregate classification.
Comment: The CDH1 c.1277C>T variant is predicted to result in the amino acid substitution p.Thr426Ile. This variant was reported in an individual with breast cancer (Data S1, Momozawa et al. 2018. PubMed ID: 30287823) and a patient with biliary tract cancer (Table S2, Okawa et al. 2022. PubMed ID: 36243179). This variant has not been reported in a large population database, indicating this variant is rare. At this time, the clinical significance of this variant is uncertain due to the absence of conclusive functional and genetic evidence.